The following is an entry in ClinVar:

NM_001035.3(RYR2):c.14433+5G>A

Gene: RYR2 (ryanodine receptor 2; plus strand). Cytogenetic location: 1q43.
Variant type: single nucleotide variant.
Coding change: c.14433+5G>A on transcript NM_001035.3 (MANE Select); 5 bases into the intron after coding-DNA position 14433, G replaced by A.
Molecular consequence: intron variant.
Genome position (GRCh38, 1-based): chr1:237,809,040, G>A. VCF-style: chr1-237809040-G-A. GRCh37 (hg19) VCF-style: chr1-237972340-G-A.
Identifiers: ClinVar variation 2134934 (VCV002134934.4), dbSNP rs753881978, ClinGen allele CA2580062482.

ClinVar aggregate classification (germline): Uncertain significance (1 of 4 stars; one submission).

Conditions:
Catecholaminergic polymorphic ventricular tachycardia 1. Also called: VENTRICULAR TACHYCARDIA, STRESS-INDUCED POLYMORPHIC 1; VENTRICULAR TACHYCARDIA, CATECHOLAMINERGIC POLYMORPHIC, 1, WITH OR WITHOUT ATRIAL DYSFUNCTION AND/OR DILATED CARDIOMYOPATHY; RYR2-Related Catecholaminergic Polymorphic Ventricular Tachycardia. Identifiers: Orphanet 3286, MedGen C1631597, MONDO:0011484, OMIM 604772.

Submission:

Labcorp Genetics (formerly Invitae), Labcorp
Classification: Uncertain significance for Catecholaminergic polymorphic ventricular tachycardia 1. Last evaluated: 2022-05-18. Review status: criteria provided, single submitter. Criteria: Invitae Variant Classification Sherloc (09022015). Collection method: clinical testing. Allele origin: germline.
Comment: In summary, the available evidence is currently insufficient to determine the role of this variant in disease. Therefore, it has been classified as a Variant of Uncertain Significance. Variants that disrupt the consensus splice site are a relatively common cause of aberrant splicing (PMID: 17576681, 9536098). Algorithms developed to predict the effect of sequence changes on RNA splicing suggest that this variant may disrupt the consensus splice site. This variant has not been reported in the literature in individuals affected with RYR2-related conditions. This variant is not present in population databases (gnomAD no frequency). This sequence change falls in intron 100 of the RYR2 gene. It does not directly change the encoded amino acid sequence of the RYR2 protein. It affects a nucleotide within the consensus splice site.

Literature cited by the submitters: PubMed 17576681; PubMed 9536098.